The following is an entry in ClinVar:

ClinVar aggregate classification (germline): Benign/Likely benign. Review status: criteria provided, multiple submitters, no conflicts (2 of 4 stars). 5 submissions from 5 submitters: Benign (4); Likely benign (1). Last evaluated 2026-01-20.

Conditions:
Cornelia de Lange syndrome 3 (CDLS3). Also called: SMC3-Related Cornelia de Lange Syndrome; CORNELIA DE LANGE SYNDROME 3 WITH OR WITHOUT MIDLINE BRAIN DEFECTS. Identifiers: Orphanet 199, MedGen C1853099, MONDO:0012555, OMIM 610759.

Allele frequency attached by ClinVar (database versions not stated): gnomAD exomes 0.00100 and 0.00264; ExAC 0.00337; gnomAD 0.00908 and 0.00975; 1000 Genomes Project 30x 0.00953; 1000 Genomes Project 0.00978; TOPMed 0.01086; ESP Exome Variant Server 0.01169.
gnomAD v4.1: 2,899 of 1,613,310 alleles (0.18%); highest among the groups gnomAD compares: African/African-American, 3%; 36 homozygotes.

Submissions (9):

Labcorp Genetics (formerly Invitae), Labcorp
Classification: Benign for Cornelia de Lange syndrome 3. Last evaluated: 2026-01-20. Review status: criteria provided, single submitter. Criteria: Invitae Variant Classification Sherloc (09022015). Collection method: clinical testing. Allele origin: germline.

GeneDx
Classification: Benign. Last evaluated: 2018-04-30. Review status: criteria provided, single submitter. Criteria: GeneDx Variant Classification (06012015). Collection method: clinical testing. Allele origin: germline. Affected: yes.
Comment: This variant is considered likely benign or benign based on one or more of the following criteria: it is a conservative change, it occurs at a poorly conserved position in the protein, it is predicted to be benign by multiple in silico algorithms, and/or has population frequency not consistent with disease.

Illumina Laboratory Services, Illumina
Classification: Benign for Cornelia de Lange syndrome 3. Last evaluated: 2018-01-12. Review status: criteria provided, single submitter. Criteria: ICSL Variant Classification Criteria 13 December 2019. Collection method: clinical testing. Allele origin: germline.
Comment: This variant was observed in the ICSL laboratory as part of a predisposition screen in an ostensibly healthy population. It had not been previously curated by ICSL or reported in the Human Gene Mutation Database (HGMD: prior to June 1st, 2018), and was therefore a candidate for classification through an automated scoring system. Utilizing variant allele frequency, disease prevalence and penetrance estimates, and inheritance mode, an automated score was calculated to assess if this variant is too frequent to cause the disease. Based on the score and internal cut-off values, a variant classified as benign is not then subjected to further curation. The score for this variant resulted in a classification of benign for this disease.

Center for Pediatric Genomic Medicine, Children's Mercy Hospital and Clinics
Classification: Likely benign. Last evaluated: 2017-04-24. Review status: criteria provided, single submitter. Criteria: ACMG Guidelines, 2015. Collection method: clinical testing. Allele origin: germline.

Genetic Services Laboratory, University of Chicago
Classification: Benign. Last evaluated: 2013-02-08. Review status: criteria provided, single submitter. Criteria: ACMG Guidelines, 2007. Collection method: clinical testing. Allele origin: germline. Inheritance: Autosomal dominant inheritance.

Dr. Peter K. Rogan Lab, Western University
No classification provided (evidence only). Condition: Acute myeloid leukemia. Review status: no classification provided. Collection method: in vitro. Allele origin: not applicable. Functional consequence: retained intron. Not counted in ClinVar's aggregate classification.

Dr. Peter K. Rogan Lab, Western University
No classification provided (evidence only). Condition: Uterine corpus endometrial carcinoma. Review status: no classification provided. Collection method: in vitro. Allele origin: not applicable. Functional consequence: retained intron. Not counted in ClinVar's aggregate classification.

Dr. Peter K. Rogan Lab, Western University
No classification provided (evidence only). Condition: Cervical cancer. Review status: no classification provided. Collection method: in vitro. Allele origin: not applicable. Functional consequence: retained intron. Not counted in ClinVar's aggregate classification.

Dr. Peter K. Rogan Lab, Western University
No classification provided (evidence only). Condition: Malignant tumor of esophagus. Review status: no classification provided. Collection method: in vitro. Allele origin: not applicable. Functional consequence: retained intron. Not counted in ClinVar's aggregate classification.

NM_005445.4(SMC3):c.1092-8T>G

Gene: SMC3 (structural maintenance of chromosomes 3; plus strand). Cytogenetic location: 10q25.2.
Variant type: single nucleotide variant.
Coding change: c.1092-8T>G on transcript NM_005445.4 (MANE Select); 8 bases into the intron before coding-DNA position 1092, T replaced by G.
Molecular consequence: intron variant.
Genome position (GRCh38, 1-based): chr10:110,584,175, T>G. VCF-style: chr10-110584175-T-G. GRCh37 (hg19) VCF-style: chr10-112343933-T-G.
Identifiers: ClinVar variation 159965 (VCV000159965.21), dbSNP rs79912955, ClinGen allele CA173521.